The following is an entry in ClinVar:

NM_000642.3(AGL):c.3001T>A (p.Tyr1001Asn)

Gene: AGL (amylo-alpha-1,6-glucosidase and 4-alpha-glucanotransferase; plus strand). Cytogenetic location: 1p21.2.
Variant type: single nucleotide variant.
Coding change: c.3001T>A on transcript NM_000642.3 (MANE Select); coding-DNA position 3001, T replaced by A.
Protein change: p.Tyr1001Asn; replaces tyrosine 1001 with asparagine.
Molecular consequence: missense variant.
Genome position (GRCh38, 1-based): chr1:99,891,657, T>A. VCF-style: chr1-99891657-T-A. GRCh37 (hg19) VCF-style: chr1-100357213-T-A.
Other names: c.3001T>A, p.Tyr1001Asn (NM_000028.3, NM_000643.3, NM_000644.3 and 1 more transcripts); c.2953T>A, p.Tyr985Asn (NM_000646.3); c.2980T>A, p.Tyr994Asn (NM_001425326.1); c.2800T>A, p.Tyr934Asn (NM_001425327.1); c.2797T>A, p.Tyr933Asn (NM_001425328.1); c.2662T>A, p.Tyr888Asn (NM_001425329.1); c.2623T>A, p.Tyr875Asn (NM_001425332.1); short protein forms Y985N, Y1001N, Y875N, Y888N, Y933N, Y934N, Y994N.
Identifiers: ClinVar variation 2159250 (VCV002159250.1), dbSNP rs1349610871, ClinGen allele CA341325933.

ClinVar aggregate classification (germline): Uncertain significance (1 of 4 stars; one submission).

Conditions:
Glycogen storage disease type III (GSD3). Also called: FORBES DISEASE; Cori disease. Identifiers: Orphanet 366, MedGen C0017922, MONDO:0009291, OMIM 232400.

Allele frequency attached by ClinVar (database versions not stated): gnomAD exomes below 0.00001.
gnomAD v4.1: 7 of 1,613,664 alleles (0.00043%); highest among the groups gnomAD compares: Admixed American, 0.0033%; no homozygotes.

Submission:

Labcorp Genetics (formerly Invitae), Labcorp
Classification: Uncertain significance for Glycogen storage disease type III. Last evaluated: 2022-04-24. Review status: criteria provided, single submitter. Criteria: Invitae Variant Classification Sherloc (09022015). Collection method: clinical testing. Allele origin: germline.
Comment: This sequence change replaces tyrosine, which is neutral and polar, with asparagine, which is neutral and polar, at codon 1001 of the AGL protein (p.Tyr1001Asn). This variant is present in population databases (no rsID available, gnomAD 0.006%). This variant has not been reported in the literature in individuals affected with AGL-related conditions. Algorithms developed to predict the effect of missense changes on protein structure and function are either unavailable or do not agree on the potential impact of this missense change (SIFT: "Deleterious"; PolyPhen-2: "Probably Damaging"; Align-GVGD: "Class C0"). In summary, the available evidence is currently insufficient to determine the role of this variant in disease. Therefore, it has been classified as a Variant of Uncertain Significance.